The following is an entry in ClinVar:

NM_001378418.1(TCF20):c.629del (p.Pro210fs)

Gene: TCF20 (transcription factor 20; minus strand). Cytogenetic location: 22q13.2.
Variant type: Deletion.
Coding change: c.629del on transcript NM_001378418.1 (MANE Select); coding-DNA position 629, one base deleted (C; older notation c.629delC).
Protein change: p.Pro210fs; shifts the reading frame from proline 210.
Molecular consequence: frameshift variant.
Genome position (GRCh38, 1-based): chr22:42,214,677, G deleted on the plus strand (C on the coding strand, the reverse complement: TCF20 is on the minus strand); the first of 2 consecutive G bases (chr22:42,214,677-42,214,678); deleting either gives the same sequence. VCF-style (leftmost placement, unchanged base first): chr22-42214676-TG-T. GRCh37 (hg19) VCF-style: chr22-42610682-TG-T.
Other names: c.629del, p.Pro210fs (NM_005650.4, NM_181492.3); short protein forms P210fs.
Identifiers: ClinVar variation 3646830 (VCV003646830.2).

ClinVar aggregate classification (germline): Pathogenic (1 of 4 stars; one submission).

Submission:

Labcorp Genetics (formerly Invitae), Labcorp
Classification: Pathogenic. Last evaluated: 2024-03-28. Review status: criteria provided, single submitter. Criteria: Invitae Variant Classification Sherloc (09022015). Collection method: clinical testing. Allele origin: germline.
Comment: This sequence change creates a premature translational stop signal (p.Pro210Glnfs*17) in the TCF20 gene. It is expected to result in an absent or disrupted protein product. Loss-of-function variants in TCF20 are known to be pathogenic (PMID: 30739909, 30819258). This variant is not present in population databases (gnomAD no frequency). This variant has not been reported in the literature in individuals affected with TCF20-related conditions. For these reasons, this variant has been classified as Pathogenic.

Literature cited by the submitters: PubMed 30739909; PubMed 30819258.